The following is an entry in ClinVar:

NM_000535.7(PMS2):c.2349C>G (p.Val783=)

Gene: PMS2 (PMS1 homolog 2, mismatch repair system component; minus strand). Cytogenetic location: 7p22.1.
Variant type: single nucleotide variant.
Coding change: c.2349C>G on transcript NM_000535.7 (MANE Select); coding-DNA position 2349, C replaced by G.
Protein change: p.Val783=; no amino-acid change (valine 783 retained).
Molecular consequence: synonymous variant. On other transcripts: non-coding transcript variant (1).
Genome position (GRCh38, 1-based): chr7:5,977,684, G>C on the plus strand (C>G on the coding strand, the complement: PMS2 is on the minus strand). VCF-style: chr7-5977684-G-C. GRCh37 (hg19) VCF-style: chr7-6017315-G-C.
Other names: c.1944C>G, p.Val648= (NM_001322003.2, NM_001322004.2, NM_001322005.2); c.2193C>G, p.Val731= (NM_001322006.2); c.2031C>G, p.Val677= (NM_001322007.2, NM_001322008.2); c.1977C>G, p.Val659= (NM_001322009.2); c.1788C>G, p.Val596= (NM_001322010.2); c.1416C>G, p.Val472= (NM_001322011.2, NM_001322012.2); c.1776C>G, p.Val592= (NM_001322013.2); c.2382C>G, p.Val794= (NM_001322014.2); and 1 more.
Identifiers: ClinVar variation 704078 (VCV000704078.13), dbSNP rs751036491, ClinGen allele CA453642419.
Genomic context (GRCh38, chr7:5,977,684, plus strand): 5'-GACTCGGGAAGGCCGGCACATGACCCCAGGGCTGTCGCTCAGCATGAAGATCAGTTCATC[G>C]ACGTCCTGGGGTCCGAAGGTCCAGTTTTTACTAGTTGGCAAGGAAATCAGTTTAGCCCTT-3'
Protein context (NP_000526.2, residues 773-793): SKNWTFGPQD[Val783=]DELIFMLSDS

ClinVar aggregate classification (germline): Benign/Likely benign. Review status: criteria provided, multiple submitters, no conflicts (2 of 4 stars). 3 submissions from 3 submitters: Benign (1); Likely benign (2). Last evaluated 2025-09-09.

Conditions:
Hereditary nonpolyposis colorectal neoplasms. Identifiers: MedGen C0009405, MeSH D003123.
Hereditary cancer-predisposing syndrome. Also called: Hereditary Cancer Syndrome; Tumor predisposition; Neoplastic Syndromes, Hereditary; Hereditary neoplastic syndrome. Identifiers: Orphanet 140162, MedGen C0027672, MeSH D009386, MONDO:0015356.
Lynch syndrome 4 (LYNCH4). Also called: Colorectal cancer, hereditary nonpolyposis, type 4; Hereditary non-polyposis colorectal cancer, type 4. Identifiers: Orphanet 144, MedGen C1838333, MONDO:0013699, OMIM 614337. Disease mechanism: loss of function.

Submissions (3):

Labcorp Genetics (formerly Invitae), Labcorp
Classification: Likely benign for Hereditary nonpolyposis colorectal neoplasms. Last evaluated: 2025-09-09. Review status: criteria provided, single submitter. Criteria: Invitae Variant Classification Sherloc (09022015). Collection method: clinical testing. Allele origin: germline.

Myriad Genetics, Inc.
Classification: Benign for Lynch syndrome 4. Last evaluated: 2025-02-04. Review status: criteria provided, single submitter. Criteria: Myriad Autosomal Dominant, Autosomal Recessive and X-Linked Classification Criteria (2023). Collection method: clinical testing. Allele origin: unknown.
Comment: This variant is considered benign. This variant is a silent/synonymous amino acid change and it is not expected to impact splicing.

Ambry Genetics
Classification: Likely benign for Hereditary cancer-predisposing syndrome. Last evaluated: 2023-03-17. Review status: criteria provided, single submitter. Criteria: Ambry Variant Classification Scheme 2023. Collection method: clinical testing. Allele origin: germline.